The following is an entry in ClinVar:

ClinVar aggregate classification (germline): Uncertain significance (1 of 4 stars; one submission).

Submission:

Labcorp Genetics (formerly Invitae), Labcorp
Classification: Uncertain significance. Last evaluated: 2024-11-07. Review status: criteria provided, single submitter. Criteria: Invitae Variant Classification Sherloc (09022015). Collection method: clinical testing. Allele origin: germline.
Comment: This sequence change replaces glycine, which is neutral and non-polar, with alanine, which is neutral and non-polar, at codon 105 of the SMARCA2 protein (p.Gly105Ala). This variant is not present in population databases (gnomAD no frequency). This variant has not been reported in the literature in individuals affected with SMARCA2-related conditions. Invitae Evidence Modeling of protein sequence and biophysical properties (such as structural, functional, and spatial information, amino acid conservation, physicochemical variation, residue mobility, and thermodynamic stability) indicates that this missense variant is not expected to disrupt SMARCA2 protein function with a negative predictive value of 80%. In summary, the available evidence is currently insufficient to determine the role of this variant in disease. Therefore, it has been classified as a Variant of Uncertain Significance.

NM_003070.5(SMARCA2):c.314G>C (p.Gly105Ala)

Gene: SMARCA2 (SWI/SNF related BAF chromatin remodeling complex subunit ATPase 2; plus strand). Cytogenetic location: 9p24.3.
Variant type: single nucleotide variant.
Coding change: c.314G>C on transcript NM_003070.5 (MANE Select); coding-DNA position 314, G replaced by C.
Protein change: p.Gly105Ala; replaces glycine 105 with alanine.
Molecular consequence: missense variant.
Genome position (GRCh38, 1-based): chr9:2,033,040, G>C. VCF-style: chr9-2033040-G-C. GRCh37 (hg19) VCF-style: chr9-2033040-G-C.
Other names: c.314G>C, p.Gly105Ala (NM_001289396.2, NM_001289397.2, NM_139045.4); short protein forms G105A.
Identifiers: ClinVar variation 3704606 (VCV003704606.2).
Genomic context (GRCh38, chr9:2,033,040, plus strand): 5'-TTGTAGAAGACATCCATTGTGGATCCATGAAGGGCACTGGTATGCGACCACCTCACCCAG[G>C]CATGGGCCCTCCCCAGAGTCCAATGGATCAACACAGCCAAGGTTTGTGTCCGCTGCACAC-3'
Protein context (NP_003061.3, residues 95-115): KGTGMRPPHP[Gly105Ala]MGPPQSPMDQ